The following is an entry in ClinVar:

ClinVar aggregate classification (germline): Pathogenic. Review status: reviewed by expert panel (3 of 4 stars). 3 submissions from 3 submitters: Pathogenic (1). 2 of the submissions do not count toward it. Last evaluated 2016-10-18.

Conditions:
Breast-ovarian cancer, familial, susceptibility to, 1 (BROVCA1). Also called: BRCA1 Hereditary Breast and Ovarian Cancer; OVARIAN CANCER, SUSCEPTIBILITY TO. Identifiers: Orphanet 145, MedGen C2676676, MONDO:0011450, OMIM 604370. Disease mechanism: loss of function.

Submissions (3):

Evidence-based Network for the Interpretation of Germline Mutant Alleles (ENIGMA)
Classification: Pathogenic for Breast-ovarian cancer, familial, susceptibility to, 1. Last evaluated: 2016-10-18. Review status: reviewed by expert panel. Criteria: ENIGMA BRCA1/2 Classification Criteria (2015). Collection method: curation. Allele origin: germline.
Comment: Variant allele predicted to encode a truncated non-functional protein.

Department of Clinical Genetics, Copenhagen University Hospital, Rigshospitalet
Classification: Pathogenic for Breast-ovarian cancer, familial, susceptibility to, 1. Last evaluated: 2024-05-27. Review status: criteria provided, single submitter. Criteria: ACMG Guidelines, 2015. Collection method: clinical testing. Allele origin: germline. Affected: yes. Not counted in ClinVar's aggregate classification.
Comment: PVS1; PM2_supporting; PM5_PTC_Strong

Consortium of Investigators of Modifiers of BRCA1/2 (CIMBA), c/o University of Cambridge
Classification: Pathogenic for Breast-ovarian cancer, familial, susceptibility to, 1. Last evaluated: 2015-10-02. Review status: criteria provided, single submitter. Criteria: CIMBA Mutation Classification guidelines May 2016. Collection method: clinical testing. Allele origin: germline. Not counted in ClinVar's aggregate classification.

NM_007294.4(BRCA1):c.2477_2492delinsTG (p.Thr826fs)

Gene: BRCA1 (BRCA1 DNA repair associated; minus strand). Cytogenetic location: 17q21.31.
Variant type: Indel.
Coding change: c.2477_2492delinsTG on transcript NM_007294.4 (MANE Select); coding-DNA positions 2477 to 2492, CAGAAGGCTTTAAGTA replaced by TG.
Protein change: p.Thr826fs; shifts the reading frame from threonine 826.
Molecular consequence: frameshift variant. On other transcripts: intron variant (137).
Genome position (GRCh38, 1-based): chr17:43,093,039-43,093,054, TACTTAAAGCCTTCTG replaced by CA on the plus strand (CAGAAGGCTTTAAGTA replaced by TG on the coding strand, the reverse complement: BRCA1 is on the minus strand). VCF-style: chr17-43093039-TACTTAAAGCCTTCTG-CA. GRCh37 (hg19) VCF-style: chr17-41245056-TACTTAAAGCCTTCTG-CA.
Other names: 2596delCAGAAGGCTTTAAGTAinsTG; c.2333_2348delinsTG, p.Thr778fs (NM_001407838.1, NM_001407839.1, NM_001407841.1 and 20 more transcripts); c.2336_2351delinsTG, p.Thr779fs (NM_001407850.1, NM_001407851.1, NM_001407852.1 and 29 more transcripts); c.2264_2279delinsTG, p.Thr755fs (NM_001407853.1, NM_001407894.1, NM_001407895.1 and 9 more transcripts); c.2477_2492delinsTG, p.Thr826fs (NM_001407854.1, NM_001407858.1, NM_001407859.1 and 30 more transcripts); c.2474_2489delinsTG, p.Thr825fs (NM_001407860.1, NM_001407861.1, NM_001407587.1 and 22 more transcripts); c.2276_2291delinsTG, p.Thr759fs (NM_001407862.1); c.2354_2369delinsTG, p.Thr785fs (NM_001407863.1, NM_001407919.1, NM_001407937.1 and 19 more transcripts); and 42 more; short protein forms T826fs, T779fs, T715fs, T758fs, T799fs, T530fs, T658fs, T699fs.
Identifiers: ClinVar variation 266266 (VCV000266266.7), dbSNP rs886040041, ClinGen allele CA10589847.
Genomic context (GRCh38, chr17:43,093,039, plus strand): 5'-TCACTTTCTTCCATTTCTATGCTTGTTTCCCGACTGTGGTTAACTTCATGTCCCAATGGA[TACTTAAAGCCTTCTG>CA]TGTCATTTCTATTATCTTTGGAACAACCATGAATTAGTCCCTTGGGGTTTTCAAATGCTG-3'